The following is an entry in ClinVar:

NM_007126.5(VCP):c.112G>A (p.Val38Met)

Gene: VCP (valosin containing protein; minus strand). Cytogenetic location: 9p13.3.
Variant type: single nucleotide variant.
Coding change: c.112G>A on transcript NM_007126.5 (MANE Select); coding-DNA position 112, G replaced by A.
Protein change: p.Val38Met; replaces valine 38 with methionine.
Molecular consequence: missense variant. On other transcripts: 5 prime UTR variant (2).
Genome position (GRCh38, 1-based): chr9:35,068,268, C>T on the plus strand (G>A on the coding strand, the complement: VCP is on the minus strand). VCF-style: chr9-35068268-C-T. GRCh37 (hg19) VCF-style: chr9-35068265-C-T.
Other names: c.-24G>A (NM_001354927.2, NM_001354928.2); short protein forms V38M.
Identifiers: ClinVar variation 3753918 (VCV003753918.2).

ClinVar aggregate classification (germline): Uncertain significance (1 of 4 stars; one submission).

Conditions:
Frontotemporal dementia and/or amyotrophic lateral sclerosis 6 (FTDALS6). Also called: VCP-Related Amyotrophic Lateral Sclerosis; VCP-Related Amyotrophic Lateral Sclerosis/Frontotemporal Dementia. Identifiers: Orphanet 275872, Orphanet 803, MedGen C5436279, MONDO:0013501, OMIM 613954.
Inclusion body myopathy with Paget disease of bone and frontotemporal dementia. Also called: Inclusion body myopathy with early-onset Paget disease and frontotemporal dementia. Identifiers: Orphanet 52430, MedGen C1833662, MONDO:0000507.

Submission:

Labcorp Genetics (formerly Invitae), Labcorp
Classification: Uncertain significance for Inclusion body myopathy with Paget disease of bone and frontotemporal dementia; Frontotemporal dementia and/or amyotrophic lateral sclerosis 6. Last evaluated: 2024-11-16. Review status: criteria provided, single submitter. Criteria: Invitae Variant Classification Sherloc (09022015). Collection method: clinical testing. Allele origin: germline.
Comment: This sequence change replaces valine, which is neutral and non-polar, with methionine, which is neutral and non-polar, at codon 38 of the VCP protein (p.Val38Met). This variant is not present in population databases (gnomAD no frequency). This variant has not been reported in the literature in individuals affected with VCP-related conditions. Invitae Evidence Modeling of protein sequence and biophysical properties (such as structural, functional, and spatial information, amino acid conservation, physicochemical variation, residue mobility, and thermodynamic stability) indicates that this missense variant is not expected to disrupt VCP protein function with a negative predictive value of 95%. In summary, the available evidence is currently insufficient to determine the role of this variant in disease. Therefore, it has been classified as a Variant of Uncertain Significance.